The following is an entry in ClinVar:

NM_017491.5(WDR1):c.717A>G (p.Ala239=)

Gene: WDR1 (WD repeat domain 1; minus strand). Cytogenetic location: 4p16.1.
Variant type: single nucleotide variant.
Coding change: c.717A>G on transcript NM_017491.5 (MANE Select); coding-DNA position 717, A replaced by G.
Protein change: p.Ala239=; no amino-acid change (alanine 239 retained).
Molecular consequence: synonymous variant.
Genome position (GRCh38, 1-based): chr4:10,088,293, T>C on the plus strand (A>G on the coding strand, the complement: WDR1 is on the minus strand). VCF-style: chr4-10088293-T-C. GRCh37 (hg19) VCF-style: chr4-10089917-T-C.
Other names: c.297A>G, p.Ala99= (NM_005112.5).
Identifiers: ClinVar variation 1992300 (VCV001992300.3), dbSNP rs374592871, ClinGen allele CA2857905.

ClinVar aggregate classification (germline): Uncertain significance (1 of 4 stars; one submission).

Allele frequency attached by ClinVar (database versions not stated): gnomAD 0.00003; gnomAD exomes 0.00003; TOPMed 0.00003; ESP Exome Variant Server 0.00008; 1000 Genomes Project 0.00020; 1000 Genomes Project 30x 0.00031; ExAC 0.00034.
gnomAD v4.1: 43 of 1,552,784 alleles (0.0028%); highest among the groups gnomAD compares: South Asian, 0.032%; no homozygotes.

Submission:

Labcorp Genetics (formerly Invitae), Labcorp
Classification: Uncertain significance. Last evaluated: 2022-04-16. Review status: criteria provided, single submitter. Criteria: Invitae Variant Classification Sherloc (09022015). Collection method: clinical testing. Allele origin: germline.
Comment: In summary, the available evidence is currently insufficient to determine the role of this variant in disease. Therefore, it has been classified as a Variant of Uncertain Significance. Algorithms developed to predict the effect of sequence changes on RNA splicing suggest that this variant is not likely to affect RNA splicing. This variant has not been reported in the literature in individuals affected with WDR1-related conditions. This variant is present in population databases (rs374592871, gnomAD 0.04%). This sequence change affects codon 239 of the WDR1 mRNA. It is a 'silent' change, meaning that it does not change the encoded amino acid sequence of the WDR1 protein. It affects a nucleotide within the consensus splice site.